The following is an entry in ClinVar:

ClinVar aggregate classification (germline): Conflicting classifications of pathogenicity. Review status: criteria provided, conflicting classifications (1 of 4 stars). 7 submissions from 7 submitters: Uncertain significance (3); Benign (1); Likely benign (3). Last evaluated 2026-01-21.

Conditions:
LRSAM1-related disorder. Also called: LRSAM1-related condition.
Inborn genetic diseases. Identifiers: MedGen C0950123, MeSH D030342.
Charcot-Marie-Tooth disease. Also called: Charcot-Marie-Tooth Hereditary Neuropathy; Charcot-Marie-Tooth Neuropathy. Identifiers: Orphanet 166, MedGen C0007959, MONDO:0015626.
Charcot-Marie-Tooth disease axonal type 2P. Also called: CHARCOT-MARIE-TOOTH NEUROPATHY, TYPE 2P; CHARCOT-MARIE-TOOTH DISEASE, AXONAL, TYPE 2G; CMT 2G; Charcot-Marie-Tooth Neuropathy Type 2G. Identifiers: Orphanet 300319, Orphanet 99941, MedGen C3280797, MONDO:0013753, OMIM 614436.

Allele frequency attached by ClinVar (database versions not stated): gnomAD 0.00004 and 0.00008; TOPMed 0.00006; ExAC 0.00015; 1000 Genomes Project 30x 0.00016; 1000 Genomes Project 0.00020.

Submissions (7):

Labcorp Genetics (formerly Invitae), Labcorp
Classification: Likely benign for Charcot-Marie-Tooth disease axonal type 2P. Last evaluated: 2026-01-21. Review status: criteria provided, single submitter. Criteria: Invitae Variant Classification Sherloc (09022015). Collection method: clinical testing. Allele origin: germline.

PreventionGenetics, part of Exact Sciences
Classification: Likely benign for LRSAM1-related condition. Last evaluated: 2025-10-15. Review status: criteria provided, single submitter. Criteria: ACMG Guidelines, 2015. Collection method: clinical testing. Allele origin: germline.
Comment: This variant is classified as likely benign based on ACMG/AMP sequence variant interpretation guidelines (Richards et al. 2015 PMID: 25741868, with internal and published modifications).

Mayo Clinic Laboratories, Mayo Clinic
Classification: Uncertain significance. Last evaluated: 2021-09-15. Review status: criteria provided, single submitter. Criteria: ACMG Guidelines, 2015. Collection method: clinical testing. Allele origin: germline.

Ambry Genetics
Classification: Uncertain significance for Inborn genetic diseases. Last evaluated: 2020-12-11. Review status: criteria provided, single submitter. Criteria: Ambry Variant Classification Scheme 2023. Collection method: clinical testing. Allele origin: germline.
Comment: The p.E229K variant (also known as c.685G>A), located in coding exon 9 of the LRSAM1 gene, results from a G to A substitution at nucleotide position 685. The glutamic acid at codon 229 is replaced by lysine, an amino acid with similar properties. This amino acid position is well conserved in available vertebrate species. In addition, this alteration is predicted to be tolerated by in silico analysis. Based on the supporting evidence, this variant is unlikely to be causative of autosomal dominant Charcot-Marie-Tooth disease, type 2P; however, its contribution to the development of autosomal recessive Charcot-Marie-Tooth disease, type 2P is uncertain.

GeneDx
Classification: Benign. Last evaluated: 2020-03-17. Review status: criteria provided, single submitter. Criteria: GeneDx Variant Classification Process June 2021. Collection method: clinical testing. Allele origin: germline. Affected: yes.
Comment: This variant is associated with the following publications: (PMID: 32376792)

Illumina Laboratory Services, Illumina
Classification: Likely benign for Charcot-Marie-Tooth disease axonal type 2P. Last evaluated: 2018-01-13. Review status: criteria provided, single submitter. Criteria: ICSL Variant Classification Criteria 13 December 2019. Collection method: clinical testing. Allele origin: germline.
Comment: This variant was observed in the ICSL laboratory as part of a predisposition screen in an ostensibly healthy population. It had not been previously curated by ICSL or reported in the Human Gene Mutation Database (HGMD: prior to June 1st, 2018), and was therefore a candidate for classification through an automated scoring system. Utilizing variant allele frequency, disease prevalence and penetrance estimates, and inheritance mode, an automated score was calculated to assess if this variant is too frequent to cause the disease. Based on the score and internal cut-off values, a variant classified as likely benign is not then subjected to further curation. The score for this variant resulted in a classification of likely benign for this disease.

Molecular Genetics Laboratory, London Health Sciences Centre
Classification: Uncertain significance for Charcot-Marie-Tooth disease. Review status: criteria provided, single submitter. Criteria: ACMG Guidelines, 2015. Collection method: clinical testing. Allele origin: germline. Affected: yes.

NM_001005373.4(LRSAM1):c.685G>A (p.Glu229Lys)

Gene: LRSAM1 (leucine rich repeat and sterile alpha motif containing 1; plus strand). Cytogenetic location: 9q33.3.
Variant type: single nucleotide variant.
Coding change: c.685G>A on transcript NM_001005373.4 (MANE Select); coding-DNA position 685, G replaced by A.
Protein change: p.Glu229Lys; replaces glutamic acid 229 with lysine.
Molecular consequence: missense variant. On other transcripts: 5 prime UTR variant (1), non-coding transcript variant (2).
Genome position (GRCh38, 1-based): chr9:127,473,866, G>A. VCF-style: chr9-127473866-G-A. GRCh37 (hg19) VCF-style: chr9-130236145-G-A.
Other names: p.Glu229Lys; c.685G>A (NM_138361.4); c.685G>A, p.Glu229Lys (NM_001005374.4, NM_001190723.3, NM_001384142.1 and 2 more transcripts); c.-100G>A (NM_001384144.1); short protein forms E229K.
Identifiers: ClinVar variation 365017 (VCV000365017.24), dbSNP rs563259179, ClinGen allele CA5246649.
Genomic context (GRCh38, chr9:127,473,866, plus strand): 5'-GGGCTGGAATACTACCCCCCTTCTCAGTACTTGCTGCCAATTCTGGAGCAAGATGGAATC[G>A]AGAACTCTCGGGACAGCCCTGATGGGCCCACGGACAGATTCTCAAGGGAGGAGTTAGAGT-3'
Protein context (NP_001005373.1, residues 219-239): LLPILEQDGI[Glu229Lys]NSRDSPDGPT